The following is an entry in ClinVar:

NM_130811.4(SNAP25):c.281A>T (p.Lys94Met)

Gene: SNAP25 (synaptosome associated protein 25; plus strand). Cytogenetic location: 20p12.2.
Variant type: single nucleotide variant.
Coding change: c.281A>T on transcript NM_130811.4 (MANE Select); coding-DNA position 281, A replaced by T.
Protein change: p.Lys94Met; replaces lysine 94 with methionine.
Molecular consequence: missense variant. On other transcripts: intron variant (3).
Genome position (GRCh38, 1-based): chr20:10,293,278, A>T. VCF-style: chr20-10293278-A-T. GRCh37 (hg19) VCF-style: chr20-10273926-A-T.
Other names: c.281A>T, p.Lys94Met (NM_001322903.2, NM_001322904.2, NM_001322905.2 and 6 more transcripts); c.281+279A>T (NM_001424415.1, NM_003081.5, NM_001322902.2); short protein forms K94M.
Identifiers: ClinVar variation 4735913 (VCV004735913.1).

ClinVar aggregate classification (germline): Uncertain significance (1 of 4 stars; one submission).

Conditions:
Congenital myasthenic syndrome 18. Also called: MYASTHENIC SYNDROME, CONGENITAL, 18, WITH INTELLECTUAL DISABILITY AND ATAXIA. Identifiers: Orphanet 590, MedGen C4225364, MONDO:0014590, OMIM 616330.

Submission:

Labcorp Genetics (formerly Invitae), Labcorp
Classification: Uncertain significance for Congenital myasthenic syndrome 18. Last evaluated: 2026-01-21. Review status: criteria provided, single submitter. Criteria: Invitae Variant Classification Sherloc (09022015). Collection method: clinical testing. Allele origin: germline.
Comment: This sequence change replaces lysine, which is basic and polar, with methionine, which is neutral and non-polar, at codon 94 of the SNAP25 protein (p.Lys94Met). This variant is not present in population databases (gnomAD no frequency). This variant has not been reported in the literature in individuals affected with SNAP25-related conditions. An algorithm developed to predict the effect of missense changes on protein structure and function (PolyPhen-2) suggests that this variant is likely to be disruptive. Algorithms developed to predict the effect of sequence changes on RNA splicing suggest that this variant may disrupt the consensus splice site. In summary, the available evidence is currently insufficient to determine the role of this variant in disease. Therefore, it has been classified as a Variant of Uncertain Significance.